The following is an entry in ClinVar:

NC_000023.10:g.(?_40440318)_(40465007_?)dup

Gene: ATP6AP2 (ATPase H+ transporting accessory protein 2; plus strand). Cytogenetic location: Xp11.4.
Variant type: Duplication.
Identifiers: ClinVar variation 3244828 (VCV003244828.1).

ClinVar aggregate classification (germline): Uncertain significance (1 of 4 stars; one submission).

Conditions:
Intellectual developmental disorder, X-linked, syndromic, Hedera type. Also called: Syndromic X-linked intellectual disability Hedera type. Identifiers: Orphanet 93952, MedGen C1845543, MONDO:0010319, OMIM 300423.

Submission:

Labcorp Genetics (formerly Invitae), Labcorp
Classification: Uncertain significance for Intellectual developmental disorder, X-linked, syndromic, Hedera type. Last evaluated: 2023-12-09. Review status: criteria provided, single submitter. Criteria: Invitae Variant Classification Sherloc (09022015). Collection method: clinical testing. Allele origin: unknown.
Comment: A copy number gain of the genomic region encompassing the full coding sequence of the ATP6AP2 gene has been identified. The boundaries of this event are unknown as they extend beyond the assayed region for this gene and therefore may encompass additional genes. As the precise location of this event is unknown, it may be in tandem or it may be located elsewhere in the genome. This variant has not been reported in the literature in individuals affected with ATP6AP2-related conditions. In summary, the available evidence is currently insufficient to determine the role of this variant in disease. Therefore, it has been classified as a Variant of Uncertain Significance.